The following is an entry in ClinVar:

ClinVar aggregate classification (germline): Conflicting classifications of pathogenicity. Review status: criteria provided, conflicting classifications (1 of 4 stars). 20 submissions from 16 submitters: Uncertain significance (2); Benign (3); Likely benign (12). 3 of the submissions do not count toward it. Last evaluated 2026-04-28.

Conditions:
Multiple endocrine neoplasia. Identifiers: Orphanet 276161, MedGen C0027662, MONDO:0017169.
RET-related disorder. Also called: RET-related disorders; RET-related condition; RET-related disease.
Hereditary cancer-predisposing syndrome. Also called: Tumor predisposition; Hereditary neoplastic syndrome; Neoplastic Syndromes, Hereditary; Hereditary Cancer Syndrome. Identifiers: Orphanet 140162, MedGen C0027672, MeSH D009386, MONDO:0015356.
Multiple endocrine neoplasia, type 2 (MEN2). Identifiers: Orphanet 653, MedGen C4048306, MONDO:0019003. Disease mechanism: gain of function.
Hirschsprung disease, susceptibility to, 1 (HSCR1). Also called: RET-Related Hirschsprung Disease. Identifiers: Orphanet 388, MedGen C3888239, MONDO:0007723, OMIM 142623.
Multiple endocrine neoplasia type 2B. Also called: WAGENMANN-FROBOESE SYNDROME; MULTIPLE ENDOCRINE NEOPLASIA, TYPE III; MEN 2B; MUCOSAL NEUROMA SYNDROME; MULTIPLE ENDOCRINE NEOPLASIA, TYPE IIB; MEN IIB. Identifiers: Orphanet 247709, Orphanet 653, MedGen C0025269, MeSH D018814, MONDO:0008082, OMIM 162300.
Multiple endocrine neoplasia type 2A. Also called: MULTIPLE ENDOCRINE NEOPLASIA, TYPE IIA; PTC SYNDROME; SIPPLE SYNDROME; MEN 2A; MEN-2A syndrome; Pheochromocytoma and amyloid producing medullary thyroid carcinoma. Identifiers: Orphanet 247698, Orphanet 653, MedGen C0025268, MeSH D018813, MONDO:0008234, OMIM 171400.
Pheochromocytoma. Also called: MAX-Related Hereditary Paraganglioma-Pheochromocytoma Syndrome. Identifiers: Orphanet 29072, MedGen C0031511, MONDO:0008233, OMIM 171300, HP:0002666.
Neoplasm of the endocrine system. Also called: Endocrine gland neoplasm; Endocrine neoplasia. Identifiers: Orphanet 182130, MedGen C0014132, MONDO:0002082, HP:0100568.
Renal hypodysplasia/aplasia 1 (RHDA1). Also called: HEREDITARY RENAL APLASIA; RENAL APLASIA. Identifiers: Orphanet 411709, MedGen C1619700, MONDO:0024519, OMIM 191830.

Allele frequency attached by ClinVar (database versions not stated): gnomAD 0.00013 and 0.00014; gnomAD exomes 0.00013 and 0.00020; TOPMed 0.00014; ExAC 0.00027.
gnomAD v4.1: 310 of 1,612,710 alleles (0.019%); highest among the groups gnomAD compares: Non-Finnish European, 0.025%; no homozygotes.

Submissions (20):

Women's Health and Genetics/Laboratory Corporation of America, LabCorp
Classification: Benign. Last evaluated: 2026-04-28. Review status: criteria provided, single submitter. Criteria: LabCorp Variant Classification Summary - May 2015. Collection method: clinical testing. Allele origin: germline.
Comment: Variant summary: RET c.1063+9G>A alters a nucleotide located at a position not widely known to affect splicing. Consensus agreement among computation tools predict no significant impact on normal splicing. However, these predictions have yet to be confirmed by functional studies. The variant allele was found at a frequency of 0.00013 in 245050 control chromosomes. The observed variant frequency exceeds the estimated maximal expected allele frequency for disease-causing variants in RET. c.1063+9G>A has been observed in individual(s) affected with Hirschsprung Disease, without strong evidence for causality. These report(s) do not provide unequivocal conclusions about association of the variant with Hirschsprung Disease, Susceptibility To, 1. At least one publication reports experimental evidence evaluating an impact on protein function, however, does not allow convincing conclusions about the variant effect. The following publications have been ascertained in the context of this evaluation (PMID: 7704557, 23527089). ClinVar contains an entry for this variant (Variation ID: 241333). Based on the evidence outlined above, the variant was classified as benign.

Cambridge Genomics Laboratory, East Genomic Laboratory Hub, NHS Genomic Medicine Service
Classification: Likely benign for Endocrine neoplasia. Last evaluated: 2026-04-10. Review status: criteria provided, single submitter. Criteria: ACGS Best Practice Guidelines for Variant Classification in Rare Disease 2020. Collection method: clinical testing. Allele origin: germline. Affected: yes.
Comment: BS1_Strong

Labcorp Genetics (formerly Invitae), Labcorp
Classification: Likely benign for Multiple endocrine neoplasia, type 2. Last evaluated: 2026-01-28. Review status: criteria provided, single submitter. Criteria: Invitae Variant Classification Sherloc (09022015). Collection method: clinical testing. Allele origin: germline.

Ambry Genetics
Classification: Likely benign for Hereditary cancer-predisposing syndrome. Last evaluated: 2025-09-02. Review status: criteria provided, single submitter. Criteria: Ambry Variant Classification Scheme 2023. Collection method: clinical testing. Allele origin: germline.

Mayo Clinic Laboratories, Mayo Clinic
Classification: Likely benign. Last evaluated: 2025-03-06. Review status: criteria provided, single submitter. Criteria: ACMG Guidelines, 2015. Collection method: clinical testing. Allele origin: germline. Observed: 2 variant alleles.
Comment: BS1, BP4, BP7

Center for Genomic Medicine, Rigshospitalet, Copenhagen University Hospital
Classification: Likely benign. Last evaluated: 2025-03-04. Review status: criteria provided, single submitter. Criteria: ACMG Guidelines, 2015. Collection method: clinical testing. Allele origin: germline.

Myriad Genetics, Inc.
Classification: Benign for Multiple endocrine neoplasia type 2A. Last evaluated: 2025-02-25. Review status: criteria provided, single submitter. Criteria: Myriad Autosomal Dominant, Autosomal Recessive and X-Linked Classification Criteria (2023). Collection method: clinical testing. Allele origin: unknown.
Comment: This variant is considered benign. This variant is intronic and is not expected to impact mRNA splicing. This variant has been observed at a population frequency that is significantly greater than expected given the associated disease prevalence and penetrance.

Athena Diagnostics
Classification: Benign. Last evaluated: 2024-08-21. Review status: criteria provided, single submitter. Criteria: Athena Diagnostics Criteria. Collection method: clinical testing. Allele origin: unknown.

Mendelics
Classification: Likely benign for Multiple endocrine neoplasia type 2A. Last evaluated: 2024-04-09. Review status: criteria provided, single submitter. Criteria: ACMG Guidelines, 2015. Collection method: clinical testing. Allele origin: unknown.

CeGaT Center for Human Genetics Tuebingen
Classification: Likely benign. Last evaluated: 2022-11-01. Review status: criteria provided, single submitter. Criteria: CeGaT Center For Human Genetics Tuebingen Variant Classification Criteria Version 2. Collection method: clinical testing. Allele origin: germline. Affected: yes. Observed: 1 variant allele.
Comment: RET: BP4

Sema4
Classification: Uncertain significance for Hereditary cancer-predisposing syndrome. Last evaluated: 2021-10-11. Review status: criteria provided, single submitter. Criteria: Sema4 Curation Guidelines. Collection method: curation. Allele origin: germline.
Comment: The RET c.1063+9G>A variant has been reported in at least two individuals with Hirschsprung disease (PMID: 22395866, 23527089, 7704557). This variant was observed in 32/125146 chromosomes, including no homozygotes, in the Non-Finnish European population according to the Genome Aggregation Database (PMID: 32461654). This variant has been reported in ClinVar (Variation ID: 241333). The evidence is insufficient to meet ACMG/AMP criteria for classifying the variant as benign or pathogenic. Thus, the clinical significance of this variant is currently uncertain.

GeneDx
Classification: Likely benign. Last evaluated: 2020-11-19. Review status: criteria provided, single submitter. Criteria: GeneDx Variant Classification Process June 2021. Collection method: clinical testing. Allele origin: germline. Affected: yes.
Comment: This variant is associated with the following publications: (PMID: 22395866, 7704557, 23527089)

Illumina Laboratory Services, Illumina
Classification: Likely benign for Hirschsprung disease, susceptibility to, 1. Last evaluated: 2017-04-27. Review status: criteria provided, single submitter. Criteria: ICSL Variant Classification Criteria 13 December 2019. Collection method: clinical testing. Allele origin: germline.
Comment: This variant was observed as part of a predisposition screen in an ostensibly healthy population. A literature search was performed for the gene, cDNA change, and amino acid change (where applicable). Publications were found based on this search. The evidence from the literature, in combination with allele frequency data from public databases where available, was sufficient to determine this variant is unlikely to cause disease. Therefore, this variant is classified as likely benign.

Illumina Laboratory Services, Illumina
Classification: Likely benign for Pheochromocytoma. Last evaluated: 2017-04-27. Review status: criteria provided, single submitter. Criteria: ICSL Variant Classification Criteria 13 December 2019. Collection method: clinical testing. Allele origin: germline.
Comment: This variant was observed as part of a predisposition screen in an ostensibly healthy population. A literature search was performed for the gene, cDNA change, and amino acid change (where applicable). No publications were found based on this search. Allele frequency data from public databases allowed determination this variant is unlikely to cause disease. Therefore, this variant is classified as likely benign.

Illumina Laboratory Services, Illumina
Classification: Likely benign for Renal hypodysplasia/aplasia 1. Last evaluated: 2017-04-27. Review status: criteria provided, single submitter. Criteria: ICSL Variant Classification Criteria 13 December 2019. Collection method: clinical testing. Allele origin: germline.
Comment: the same text as in the submission from Illumina Laboratory Services, Illumina above.

Illumina Laboratory Services, Illumina
Classification: Likely benign for Multiple endocrine neoplasia. Last evaluated: 2017-04-27. Review status: criteria provided, single submitter. Criteria: ICSL Variant Classification Criteria 13 December 2019. Collection method: clinical testing. Allele origin: germline.
Comment: the same text as in the submission from Illumina Laboratory Services, Illumina above.

Laboratory for Molecular Medicine, Mass General Brigham Personalized Medicine
Classification: Uncertain significance. Last evaluated: 2016-06-23. Review status: criteria provided, single submitter. Criteria: LMM Criteria. Collection method: clinical testing. Allele origin: germline.
Comment: Variant identified in a genome or exome case(s) and assessed due to predicted null impact of the variant or pathogenic assertions in the literature or databases. Disclaimer: This variant has not undergone full assessment. The following are preliminary notes: 1 report in hirschsprung proband, second report classifies as nonpathogenic

PreventionGenetics, part of Exact Sciences
Classification: Likely benign for RET-related condition. Last evaluated: 2021-11-30. Review status: no assertion criteria provided. Collection method: clinical testing. Allele origin: germline. Not counted in ClinVar's aggregate classification.
Comment: This variant is classified as likely benign based on ACMG/AMP sequence variant interpretation guidelines (Richards et al. 2015 PMID: 25741868, with internal and published modifications).

Counsyl
Classification: Uncertain significance for Multiple endocrine neoplasia type 2B. Last evaluated: 2015-12-09. Review status: no assertion criteria provided. Collection method: clinical testing. Allele origin: unknown. Not counted in ClinVar's aggregate classification.

Counsyl
Classification: Uncertain significance for Multiple endocrine neoplasia type 2A. Last evaluated: 2015-12-09. Review status: no assertion criteria provided. Collection method: clinical testing. Allele origin: unknown. Not counted in ClinVar's aggregate classification.

Literature cited by the submitters: PubMed 7704557 (cited by 4 submitters); PubMed 23527089 (cited by 7 submitters); PubMed 7647787 (cited by Ambry Genetics); PubMed 9090527 (cited by Ambry Genetics); PubMed 23441071 (cited by Athena Diagnostics); PubMed 22395866 (cited by 3 submitters).

NM_020975.6(RET):c.1063+9G>A

Gene: RET (ret proto-oncogene; plus strand). Cytogenetic location: 10q11.21.
Variant type: single nucleotide variant.
Coding change: c.1063+9G>A on transcript NM_020975.6 (MANE Select); 9 bases into the intron after coding-DNA position 1063, G replaced by A.
Molecular consequence: intron variant.
Genome position (GRCh38, 1-based): chr10:43,106,580, G>A. VCF-style: chr10-43106580-G-A. GRCh37 (hg19) VCF-style: chr10-43602028-G-A.
Other names: p.?; c.1063+9G>A (NM_020630.7, NM_001406743.1, NM_001406744.1 and 4 more transcripts); c.867+1387G>A (NM_001406772.1, NM_001406769.1); c.626-2451G>A (NM_001406773.1, NM_001406771.1); c.625+3951G>A (NM_001406782.1, NM_001406780.1, NM_001406779.1 and 3 more transcripts); c.934+9G>A (NM_001406764.1, NM_001406762.1, NM_001406761.1 and 1 more transcripts); c.738+1387G>A (NM_001406774.1); c.496+3951G>A (NM_001406786.1, NM_001406783.1); and 6 more.
Identifiers: ClinVar variation 241333 (VCV000241333.61), dbSNP rs765463636, ClinGen allele CA031087.
Genomic context (GRCh38, chr10:43,106,580, plus strand): 5'-ACCTCGGTCCAGGCCAACGGCAGCTTCGTGCGGGCGACCGTACATGACTATAGTAAGAGG[G>A]GCTGGTGGCACGGCCTGGCTAGGCCCCCAGGAAATGAGGTGCTCGCTCTTCATGGGCAAG-3'